The following is an entry in ClinVar:

ClinVar aggregate classification (germline): Uncertain significance. Review status: criteria provided, multiple submitters, no conflicts (2 of 4 stars). 2 submissions from 2 submitters: Uncertain significance (2). Last evaluated 2025-11-24.

Conditions:
GLUT1 deficiency syndrome 1, autosomal recessive. Identifiers: MedGen C3149117.

Allele frequency attached by ClinVar (database versions not stated): gnomAD exomes 0.00003 and 0.00005; gnomAD 0.00004; ExAC 0.00006; TOPMed 0.00006; ESP Exome Variant Server 0.00008.
gnomAD v4.1: 54 of 1,614,000 alleles (0.0033%); highest among the groups gnomAD compares: Middle Eastern, 0.017%; no homozygotes.

Submissions (2):

Labcorp Genetics (formerly Invitae), Labcorp
Classification: Uncertain significance for GLUT1 deficiency syndrome 1, autosomal recessive. Last evaluated: 2025-11-24. Review status: criteria provided, single submitter. Criteria: Invitae Variant Classification Sherloc (09022015). Collection method: clinical testing. Allele origin: germline.
Comment: This sequence change replaces isoleucine, which is neutral and non-polar, with threonine, which is neutral and polar, at codon 417 of the SLC2A1 protein (p.Ile417Thr). This variant is present in population databases (rs144389023, gnomAD 0.07%). This missense change has been observed in individual(s) with glucose transporter type 1 deficiency syndrome (GLUT1DS) (PMID: 26193382). ClinVar contains an entry for this variant (Variation ID: 656192). Invitae Evidence Modeling incorporating data from in vitro experimental studies (internal data) did not meet the statistical confidence thresholds required to predict the impact of this variant on SLC2A1 function. In summary, the available evidence is currently insufficient to determine the role of this variant in disease. Therefore, it has been classified as a Variant of Uncertain Significance.

Blueprint Genetics
Classification: Uncertain significance. Last evaluated: 2024-11-23. Review status: criteria provided, single submitter. Criteria: ACMG Guidelines, 2015. Collection method: clinical testing. Allele origin: germline.

Literature cited by the submitters: PubMed 26193382 (cited by Labcorp Genetics (formerly Invitae), Labcorp).

NM_006516.4(SLC2A1):c.1250T>C (p.Ile417Thr)

Gene: SLC2A1 (solute carrier family 2 member 1; minus strand). Cytogenetic location: 1p34.2.
Variant type: single nucleotide variant.
Coding change: c.1250T>C on transcript NM_006516.4 (MANE Select); coding-DNA position 1250, T replaced by C.
Protein change: p.Ile417Thr; replaces isoleucine 417 with threonine.
Molecular consequence: missense variant.
Genome position (GRCh38, 1-based): chr1:42,927,633, A>G on the plus strand (T>C on the coding strand, the complement: SLC2A1 is on the minus strand). VCF-style: chr1-42927633-A-G. GRCh37 (hg19) VCF-style: chr1-43393304-A-G.
Other names: short protein forms I417T.
Identifiers: ClinVar variation 656192 (VCV000656192.12), dbSNP rs144389023, ClinGen allele CA803323.